The following is an entry in ClinVar:

NM_002860.4(ALDH18A1):c.2270T>G (p.Leu757Arg)

Gene: ALDH18A1 (aldehyde dehydrogenase 18 family member A1; minus strand). Cytogenetic location: 10q24.1.
Variant type: single nucleotide variant.
Coding change: c.2270T>G on transcript NM_002860.4 (MANE Select); coding-DNA position 2270, T replaced by G.
Protein change: p.Leu757Arg; replaces leucine 757 with arginine.
Molecular consequence: missense variant.
Genome position (GRCh38, 1-based): chr10:95,606,880, A>C on the plus strand (T>G on the coding strand, the complement: ALDH18A1 is on the minus strand). VCF-style: chr10-95606880-A-C. GRCh37 (hg19) VCF-style: chr10-97366637-A-C.
Other names: c.2264T>G, p.Leu755Arg (NM_001017423.2, NM_001323415.2); c.1937T>G, p.Leu646Arg (NM_001323412.2, NM_001323416.2); c.2270T>G, p.Leu757Arg (NM_001323413.2, NM_001323414.2); c.2165T>G, p.Leu722Arg (NM_001323417.2); c.1931T>G, p.Leu644Arg (NM_001323418.2); c.1634T>G, p.Leu545Arg (NM_001323419.2); short protein forms L755R, L757R, L646R, L722R, L545R, L644R.
Identifiers: ClinVar variation 1368457 (VCV001368457.6), dbSNP rs2139513699, ClinGen allele CA377699041.
Genomic context (GRCh38, chr10:95,606,880, plus strand): 5'-TGCTCTGAGAAATCTGAGACCACGTGGTCCTTCCCTCGCAGCAGCCACTTAGTAGTAAGC[A>C]GTCCCTCAAGTCCTACTGGTCCCCGGGCGTGGATTCTCGATGTACTGATTCCCACTTCAG-3'
Protein context (NP_002851.2, residues 747-767): HARGPVGLEG[Leu757Arg]LTTKWLLRGK

ClinVar aggregate classification (germline): Uncertain significance (1 of 4 stars; one submission).

Conditions:
Cutis laxa, autosomal dominant 3 (ADCL3). Identifiers: Orphanet 90348, MedGen C4225268, MONDO:0014706, OMIM 616603.
de Barsy syndrome. Also called: Cutis laxa-corneal clouding-oligophrenia syndrome. Identifiers: Orphanet 2962, MedGen C0268354, MONDO:0017569.
Autosomal dominant spastic paraplegia type 9. Identifiers: MedGen C1832669, MONDO:0015091.

Submission:

Labcorp Genetics (formerly Invitae), Labcorp
Classification: Uncertain significance for Autosomal dominant spastic paraplegia type 9; de Barsy syndrome; Cutis laxa, autosomal dominant 3. Last evaluated: 2021-11-28. Review status: criteria provided, single submitter. Criteria: Invitae Variant Classification Sherloc (09022015). Collection method: clinical testing. Allele origin: germline.
Comment: Algorithms developed to predict the effect of missense changes on protein structure and function (SIFT, PolyPhen-2, Align-GVGD) all suggest that this variant is likely to be disruptive. In summary, the available evidence is currently insufficient to determine the role of this variant in disease. Therefore, it has been classified as a Variant of Uncertain Significance. This variant has not been reported in the literature in individuals affected with ALDH18A1-related conditions. This variant is not present in population databases (gnomAD no frequency). This sequence change replaces leucine, which is neutral and non-polar, with arginine, which is basic and polar, at codon 757 of the ALDH18A1 protein (p.Leu757Arg).